The following is an entry in ClinVar:

ClinVar aggregate classification (germline): Uncertain significance (1 of 4 stars; one submission).

Conditions:
Congenital contractural arachnodactyly (CCA). Also called: Arthrogryposis, distal, type 9; BEALS SYNDROME; Beals-Hecht syndrome. Identifiers: Orphanet 115, MedGen C0220668, MONDO:0007363, OMIM 121050.

Submission:

Labcorp Genetics (formerly Invitae), Labcorp
Classification: Uncertain significance for Congenital contractural arachnodactyly. Last evaluated: 2025-07-01. Review status: criteria provided, single submitter. Criteria: Invitae Variant Classification Sherloc (09022015). Collection method: clinical testing. Allele origin: germline.
Comment: This sequence change replaces asparagine, which is neutral and polar, with lysine, which is basic and polar, at codon 128 of the FBN2 protein (p.Asn128Lys). This variant is not present in population databases (gnomAD no frequency). This variant has not been reported in the literature in individuals affected with FBN2-related conditions. Invitae Evidence Modeling of protein sequence and biophysical properties (such as structural, functional, and spatial information, amino acid conservation, physicochemical variation, residue mobility, and thermodynamic stability) indicates that this missense variant is not expected to disrupt FBN2 protein function with a negative predictive value of 95%. In summary, the available evidence is currently insufficient to determine the role of this variant in disease. Therefore, it has been classified as a Variant of Uncertain Significance.

NM_001999.4(FBN2):c.384C>G (p.Asn128Lys)

Gene: FBN2 (fibrillin 2; minus strand). Cytogenetic location: 5q23.3.
Variant type: single nucleotide variant.
Coding change: c.384C>G on transcript NM_001999.4 (MANE Select); coding-DNA position 384, C replaced by G.
Protein change: p.Asn128Lys; replaces asparagine 128 with lysine.
Molecular consequence: missense variant.
Genome position (GRCh38, 1-based): chr5:128,530,647, G>C on the plus strand (C>G on the coding strand, the complement: FBN2 is on the minus strand). VCF-style: chr5-128530647-G-C. GRCh37 (hg19) VCF-style: chr5-127866340-G-C.
Other names: short protein forms N128K.
Identifiers: ClinVar variation 4717191 (VCV004717191.1).